The following is an entry in ClinVar:

ClinVar aggregate classification (germline): Pathogenic (1 of 4 stars; one submission).

Conditions:
Wilson disease (WND). Also called: Wilson's disease. Identifiers: Orphanet 905, MedGen C0019202, MONDO:0010200, OMIM 277900. Disease mechanism: loss of function.

Submission:

Labcorp Genetics (formerly Invitae), Labcorp
Classification: Pathogenic for Wilson disease. Last evaluated: 2025-04-22. Review status: criteria provided, single submitter. Criteria: Invitae Variant Classification Sherloc (09022015). Collection method: clinical testing. Allele origin: germline.
Comment: This sequence change creates a premature translational stop signal (p.Arg1301Lysfs*3) in the ATP7B gene. It is expected to result in an absent or disrupted protein product. Loss-of-function variants in ATP7B are known to be pathogenic (PMID: 10441329, 16283883). This variant is not present in population databases (gnomAD no frequency). This premature translational stop signal has been observed in individual(s) with Wilson disease (PMID: 27022412). For these reasons, this variant has been classified as Pathogenic.

Literature cited by the submitters: PubMed 10441329; PubMed 16283883; PubMed 27022412.

NM_000053.4(ATP7B):c.3901dup (p.Arg1301fs)

Gene: ATP7B (ATPase copper transporting beta; minus strand). Cytogenetic location: 13q14.3.
Variant type: Duplication.
Coding change: c.3901dup on transcript NM_000053.4 (MANE Select); coding-DNA position 3901, one base duplicated (A; older notation c.3901dupA).
Protein change: p.Arg1301fs; shifts the reading frame from arginine 1301.
Molecular consequence: frameshift variant. On other transcripts: intron variant (1).
Genome position (GRCh38, 1-based): chr13:51,937,478, T duplicated on the plus strand (A on the coding strand, the reverse complement: ATP7B is on the minus strand). VCF-style (leftmost placement, unchanged base first): chr13-51937477-C-CT. GRCh37 (hg19) VCF-style: chr13-52511613-C-CT.
Other names: c.3667dup, p.Arg1223fs (NM_001406528.1, NM_001406527.1, NM_001330578.2); c.3661dup, p.Arg1221fs (NM_001406530.1); c.3649dup, p.Arg1217fs (NM_001406531.1, NM_001406532.1, NM_001330579.2); c.3613dup, p.Arg1205fs (NM_001406534.1); c.3571dup, p.Arg1191fs (NM_001406535.1, NM_001406536.1); c.3562dup, p.Arg1188fs (NM_001406537.1); c.3523dup, p.Arg1175fs (NM_001406538.1); c.3472dup, p.Arg1158fs (NM_001406539.1); and 21 more; short protein forms R1085fs, R1137fs, R1139fs, R1152fs, R1191fs, R1236fs, R1240fs, R1269fs.
Identifiers: ClinVar variation 4710097 (VCV004710097.1).
Genomic context (GRCh38, chr13:51,937,477, plus strand): 5'-AGGAAGGGGTCTGCCCATTGCCCTCCCAGCACCCACAGCCTGGCTGCAGCCACGCTCACT[C>CT]TGATAAGGACGACGTCGGCTGCCTCGATGGCCACATCCGTGCCGGTGCCAATGGCCACAC-3'